The following is an entry in ClinVar:

ClinVar aggregate classification (germline): Uncertain significance. Review status: criteria provided, multiple submitters, no conflicts (2 of 4 stars). 3 submissions from 3 submitters: Uncertain significance (3). Last evaluated 2025-09-22.

Allele frequency attached by ClinVar (database versions not stated): gnomAD exomes 0.00004 and 0.00014; ExAC 0.00018; 1000 Genomes Project 0.00020; 1000 Genomes Project 30x 0.00031; ESP Exome Variant Server 0.00038; gnomAD 0.00055 and 0.00056; TOPMed 0.00057.

Submissions (3):

GeneDx
Classification: Uncertain significance. Last evaluated: 2025-09-22. Review status: criteria provided, single submitter. Criteria: GeneDx Variant Classification Process June 2021. Collection method: clinical testing. Allele origin: germline. Affected: yes.
Comment: In silico analysis suggests that this missense variant does not alter protein structure/function; Has not been previously published as pathogenic or benign to our knowledge

Labcorp Genetics (formerly Invitae), Labcorp
Classification: Uncertain significance. Last evaluated: 2025-05-09. Review status: criteria provided, single submitter. Criteria: Invitae Variant Classification Sherloc (09022015). Collection method: clinical testing. Allele origin: germline.
Comment: This sequence change replaces glycine, which is neutral and non-polar, with valine, which is neutral and non-polar, at codon 574 of the MARS2 protein (p.Gly574Val). This variant is present in population databases (rs150136499, gnomAD 0.1%), and has an allele count higher than expected for a pathogenic variant. This variant has not been reported in the literature in individuals affected with MARS2-related conditions. ClinVar contains an entry for this variant (Variation ID: 1316136). Invitae Evidence Modeling of protein sequence and biophysical properties (such as structural, functional, and spatial information, amino acid conservation, physicochemical variation, residue mobility, and thermodynamic stability) indicates that this missense variant is not expected to disrupt MARS2 protein function with a negative predictive value of 80%. In summary, the available evidence is currently insufficient to determine the role of this variant in disease. Therefore, it has been classified as a Variant of Uncertain Significance.

Ambry Genetics
Classification: Uncertain significance. Last evaluated: 2022-02-17. Review status: criteria provided, single submitter. Criteria: Ambry Variant Classification Scheme 2023. Collection method: clinical testing. Allele origin: germline.

NM_138395.4(MARS2):c.1721G>T (p.Gly574Val)

Gene: MARS2 (methionyl-tRNA synthetase 2, mitochondrial; plus strand). Cytogenetic location: 2q33.1.
Variant type: single nucleotide variant.
Coding change: c.1721G>T on transcript NM_138395.4 (MANE Select); coding-DNA position 1721, G replaced by T.
Protein change: p.Gly574Val; replaces glycine 574 with valine.
Molecular consequence: missense variant.
Genome position (GRCh38, 1-based): chr2:197,707,126, G>T. VCF-style: chr2-197707126-G-T. GRCh37 (hg19) VCF-style: chr2-198571850-G-T.
Other names: short protein forms G574V.
Identifiers: ClinVar variation 1316136 (VCV001316136.11), dbSNP rs150136499, ClinGen allele CA2044800.